The following is an entry in ClinVar:

ClinVar aggregate classification (germline): Uncertain significance (1 of 4 stars; one submission).

Submission:

Women's Health and Genetics/Laboratory Corporation of America, LabCorp
Classification: Uncertain significance. Last evaluated: 2026-02-16. Review status: criteria provided, single submitter. Criteria: LabCorp Variant Classification Summary - May 2015. Collection method: clinical testing. Allele origin: germline.
Comment: Variant summary: AEBP1 c.427_492del66 (p.Lys143_Pro164del) results in an in-frame deletion that is predicted to remove 22 amino acids from the encoded protein. The variant was absent in 248038 control chromosomes. The available data on variant occurrences in the general population are insufficient to allow any conclusion about variant significance. To our knowledge, no occurrence of c.427_492del66 in individuals affected with AEBP1-related conditions and no experimental evidence demonstrating its impact on protein function have been reported. No submitters have cited clinical-significance assessments for this variant to ClinVar. Based on the evidence outlined above, the variant was classified as uncertain significance.

NM_001129.5(AEBP1):c.427_492del (p.121KEKPPKATKKP[2])

Gene: AEBP1 (AE binding protein 1; plus strand). Cytogenetic location: 7p13.
Variant type: Deletion.
Coding change: c.427_492del on transcript NM_001129.5 (MANE Select); coding-DNA positions 427 to 492, 66 bases deleted.
Protein change: p.121KEKPPKATKKP[2].
Genome position (GRCh38, 1-based): chr7:44,106,719-44,106,784, 66 bases deleted. GRCh37 (hg19): chr7:44,146,318-44,146,383.
Other names: c.427_492del66 (NM_001129.5).
Identifiers: ClinVar variation 4848327 (VCV004848327.1).